The following is an entry in ClinVar:

ClinVar aggregate classification (germline): Likely pathogenic (1 of 4 stars; one submission).

Submission:

Women's Health and Genetics/Laboratory Corporation of America, LabCorp
Classification: Likely pathogenic. Last evaluated: 2020-03-24. Review status: criteria provided, single submitter. Criteria: LabCorp Variant Classification Summary - May 2015. Collection method: clinical testing. Allele origin: germline.
Comment: Variant summary: GLI1 c.1796delG (p.Gly599ValfsX14) results in a premature termination codon, predicted to cause a truncation of the encoded protein or absence of the protein due to nonsense mediated decay, which are commonly known mechanisms for disease. Truncations downstream of this position have been classified as pathogenic in ClinVar and LOVD databases and have been reported in the literature in affected individuals (PMID: 28973407). The variant allele was found at a frequency of 4e-06 in 250982 control chromosomes (gnomAD). To our knowledge, no occurrence of c.1796delG in individuals affected with GLI1-Related disorders and no experimental evidence demonstrating its impact on protein function have been reported. Other upstream and downstream truncating variants in the GLI1 gene have been reported in homozygous and heterozygous individuals with a variable phenotype, including polydactyly (PMIDs: 28973407, 31621941, 31549748). No clinical diagnostic laboratories have submitted clinical-significance assessments for this variant to ClinVar after 2014. Based on the evidence outlined above, the variant was classified as likely pathogenic.

NM_005269.3(GLI1):c.1796del (p.Gly599fs)

Gene: GLI1 (GLI family zinc finger 1; plus strand). Cytogenetic location: 12q13.3.
Variant type: Deletion.
Coding change: c.1796del on transcript NM_005269.3 (MANE Select); coding-DNA position 1796, one base deleted (G; older notation c.1796delG).
Protein change: p.Gly599fs; shifts the reading frame from glycine 599.
Molecular consequence: frameshift variant.
Genome position (GRCh38, 1-based): chr12:57,470,536, G deleted; the last of 5 consecutive G bases (chr12:57,470,532-57,470,536); deleting any one gives the same sequence. VCF-style (leftmost placement, unchanged base first): chr12-57470531-AG-A. GRCh37 (hg19) VCF-style: chr12-57864314-AG-A.
Other names: c.1412del, p.Gly471fs (NM_001160045.2); c.1673del, p.Gly558fs (NM_001167609.2); short protein forms G471fs, G558fs, G599fs.
Identifiers: ClinVar variation 918147 (VCV000918147.1), dbSNP rs758888293, ClinGen allele CA6648875.